The following is an entry in ClinVar:

NM_145068.4(TRPV3):c.1236C>T (p.Asn412=)

Gene: TRPV3 (transient receptor potential cation channel subfamily V member 3; minus strand). Cytogenetic location: 17p13.2.
Variant type: single nucleotide variant.
Coding change: c.1236C>T on transcript NM_145068.4 (MANE Select); coding-DNA position 1236, C replaced by T.
Protein change: p.Asn412=; no amino-acid change (asparagine 412 retained).
Molecular consequence: synonymous variant.
Genome position (GRCh38, 1-based): chr17:3,530,033, G>A on the plus strand (C>T on the coding strand, the complement: TRPV3 is on the minus strand). VCF-style: chr17-3530033-G-A. GRCh37 (hg19) VCF-style: chr17-3433327-G-A.
Other names: c.1236C>T, p.Asn412= (NM_001258205.2).
Identifiers: ClinVar variation 322774 (VCV000322774.23), dbSNP rs141578451, ClinGen allele CA8289555.

ClinVar aggregate classification (germline): Benign/Likely benign. Review status: criteria provided, multiple submitters, no conflicts (2 of 4 stars). 3 submissions from 3 submitters: Benign (1); Likely benign (2). Last evaluated 2026-01-12.

Conditions:
Isolated focal non-epidermolytic palmoplantar keratoderma. Also called: Palmoplantar keratoderma, nonepidermolytic, focal 2. Identifiers: Orphanet 448264, MedGen C4225339, MONDO:0014622, OMIM 616400.

Allele frequency attached by ClinVar (database versions not stated): TOPMed 0.00019; gnomAD 0.00020 and 0.00021; ExAC 0.00022; ESP Exome Variant Server 0.00023; gnomAD exomes 0.00024 and 0.00042.
gnomAD v4.1: 635 of 1,612,212 alleles (0.039%); highest among the groups gnomAD compares: Non-Finnish European, 0.049%; no homozygotes.

Submissions (3):

Labcorp Genetics (formerly Invitae), Labcorp
Classification: Likely benign. Last evaluated: 2026-01-12. Review status: criteria provided, single submitter. Criteria: Invitae Variant Classification Sherloc (09022015). Collection method: clinical testing. Allele origin: germline.

CeGaT Center for Human Genetics Tuebingen
Classification: Likely benign. Last evaluated: 2024-10-01. Review status: criteria provided, single submitter. Criteria: CeGaT Center For Human Genetics Tuebingen Variant Classification Criteria Version 2. Collection method: clinical testing. Allele origin: germline. Affected: yes. Observed: 1 variant allele.
Comment: TRPV3: BP4, BP7

Illumina Laboratory Services, Illumina
Classification: Benign for Isolated focal non-epidermolytic palmoplantar keratoderma. Last evaluated: 2018-01-12. Review status: criteria provided, single submitter. Criteria: ICSL Variant Classification Criteria 13 December 2019. Collection method: clinical testing. Allele origin: germline.
Comment: This variant was observed in the ICSL laboratory as part of a predisposition screen in an ostensibly healthy population. It had not been previously curated by ICSL or reported in the Human Gene Mutation Database (HGMD: prior to June 1st, 2018), and was therefore a candidate for classification through an automated scoring system. Utilizing variant allele frequency, disease prevalence and penetrance estimates, and inheritance mode, an automated score was calculated to assess if this variant is too frequent to cause the disease. Based on the score and internal cut-off values, a variant classified as benign is not then subjected to further curation. The score for this variant resulted in a classification of benign for this disease.